The following is an entry in ClinVar:

NM_014363.6(SACS):c.171+1G>A

Genes: SACS (sacsin molecular chaperone; minus strand), LOC130009366 (ATAC-STARR-seq lymphoblastoid silent region 5172; plus strand). Cytogenetic location: 13q12.12.
Variant type: single nucleotide variant.
Coding change: c.171+1G>A on transcript NM_014363.6 (MANE Select); the canonical splice donor site of the intron after coding-DNA position 171, G replaced by A.
Molecular consequence: splice donor variant.
Genome position (GRCh38, 1-based): chr13:23,375,118, C>T on the plus strand (G>A on the coding strand, the complement: SACS is on the minus strand). VCF-style: chr13-23375118-C-T. GRCh37 (hg19) VCF-style: chr13-23949257-C-T.
Other names: c.171+1G>A (NM_014363.5); c.-183+1G>A (NM_001278055.2).
Identifiers: ClinVar variation 2678520 (VCV002678520.4), dbSNP rs1871663012, ClinGen allele CA387554267.

ClinVar aggregate classification (germline): Likely pathogenic. Review status: criteria provided, multiple submitters, no conflicts (2 of 4 stars). 3 submissions from 3 submitters: Likely pathogenic (3). Last evaluated 2024-09-24.

Conditions:
Charlevoix-Saguenay spastic ataxia (SACS). Also called: Spastic ataxia of Charlevoix-Saguenay; SPASTIC ATAXIA 6, AUTOSOMAL RECESSIVE; AUTOSOMAL RECESSIVE SPASTIC ATAXIA OF CHARLEVOIX-SAGUENAY. Identifiers: Orphanet 98, MedGen C1849140, MONDO:0010041, OMIM 270550.

Allele frequency attached by ClinVar (database versions not stated): TOPMed below 0.00001.

Submissions (3):

Natera, Inc.
Classification: Likely pathogenic for Charlevoix-Saguenay type spastic ataxia. Last evaluated: 2024-09-24. Review status: criteria provided, single submitter. Criteria: Natera Variant Classification Schema (03/2026). Collection method: clinical testing. Allele origin: germline.
Comment: The c.171+1G>A variant in SACS is a canonical splice donor site variant predicted to affect pre-mRNA splicing, which may result in an abnormal transcript and altered protein product. This variant is expected to result in nonsense mediated decay, truncation, or a dysfunctional protein product. This variant is rare in the general population with a frequency below the threshold expected for the associated phenotype(s). Given the available evidence, this variant is classified as Likely Pathogenic.

Baylor Genetics
Classification: Likely pathogenic for Charlevoix-Saguenay spastic ataxia. Last evaluated: 2024-03-25. Review status: criteria provided, single submitter. Criteria: ACMG Guidelines, 2015. Collection method: clinical testing. Allele origin: unknown.

PROSPAX: an integrated multimodal progression  chart in spastic ataxias, Center for Neurology; Hertie-Institute for Clinical Brain Research
Classification: Likely pathogenic for Charlevoix-Saguenay spastic ataxia. Last evaluated: 2022-01-01. Review status: criteria provided, single submitter. Criteria: ACMG Guidelines, 2015. Collection method: research. Allele origin: germline. Affected: yes.
Comment: Variant seen in compound het: [c.8843del;c.171+1G>A]